The following is an entry in ClinVar:

NM_002206.3(ITGA7):c.1567+65G>C

Gene: ITGA7 (integrin subunit alpha 7; minus strand). Cytogenetic location: 12q13.2.
Variant type: single nucleotide variant.
Coding change: c.1567+65G>C on transcript NM_002206.3 (MANE Select); 65 bases into the intron after coding-DNA position 1567, G replaced by C.
Molecular consequence: intron variant.
Genome position (GRCh38, 1-based): chr12:55,697,151, C>G on the plus strand (G>C on the coding strand, the complement: ITGA7 is on the minus strand). VCF-style: chr12-55697151-C-G. GRCh37 (hg19) VCF-style: chr12-56090935-C-G.
Other names: c.1288+65G>C (NM_001144997.2); c.1240+65G>C (NM_001367993.1); c.1228+65G>C (NM_001414035.1); c.1384+65G>C (NM_001414033.1); c.223+65G>C (NM_001367994.1); c.1447+65G>C (NM_001414032.1); c.1480+65G>C (NM_001414031.1); c.1567+65G>C (NM_001374465.1, NM_001414034.1); and 3 more.
Identifiers: ClinVar variation 677481 (VCV000677481.1), dbSNP rs374530008, ClinGen allele CA237571909.
Genomic context (GRCh38, chr12:55,697,151, plus strand): 5'-GAGCTGCTGAGCTGCAGAGCTGCTCCAGCTCACCCCATTCCAAGGGTGCTCTTCTACCAC[C>G]TCGAAGTGACCCCCCTCCCTGGGAAACCCAAAAGGGCGAGCCACAGAGGGGGGACCGCAC-3'

ClinVar aggregate classification (germline): Likely benign (1 of 4 stars; one submission).

Allele frequency attached by ClinVar (database versions not stated): 1000 Genomes Project 0.00020; 1000 Genomes Project 30x 0.00031; TOPMed 0.00206; gnomAD exomes 0.00240; gnomAD 0.00338 and 0.00366; ESP Exome Variant Server 0.00394.
gnomAD v4.1: 3,907 of 1,574,992 alleles (0.25%); highest among the groups gnomAD compares: Non-Finnish European, 0.29%; 31 homozygotes.

Submission:

GeneDx
Classification: Likely benign. Last evaluated: 2018-06-16. Review status: criteria provided, single submitter. Criteria: GeneDx Variant Classification (06012015). Collection method: clinical testing. Allele origin: germline. Affected: yes.
Comment: This variant is considered likely benign or benign based on one or more of the following criteria: it is a conservative change, it occurs at a poorly conserved position in the protein, it is predicted to be benign by multiple in silico algorithms, and/or has population frequency not consistent with disease.